The following is an entry in ClinVar:

ClinVar aggregate classification (germline): Uncertain significance (1 of 4 stars; one submission).

Conditions:
Neuronal ceroid lipofuscinosis. Also called: Neuronal Ceroid Lipofuscinoses. Identifiers: Orphanet 216, Orphanet 79263, MedGen C0027877, MONDO:0016295. Disease mechanism: loss of function.

Submission:

Labcorp Genetics (formerly Invitae), Labcorp
Classification: Uncertain significance for Neuronal ceroid lipofuscinosis. Last evaluated: 2024-11-11. Review status: criteria provided, single submitter. Criteria: Invitae Variant Classification Sherloc (09022015). Collection method: clinical testing. Allele origin: germline.
Comment: This sequence change replaces glutamic acid, which is acidic and polar, with glycine, which is neutral and non-polar, at codon 163 of the DNAJC5 protein (p.Glu163Gly). This variant is not present in population databases (gnomAD no frequency). This variant has not been reported in the literature in individuals affected with DNAJC5-related conditions. ClinVar contains an entry for this variant (Variation ID: 1034904). An algorithm developed to predict the effect of missense changes on protein structure and function (PolyPhen-2) suggests that this variant is likely to be tolerated. In summary, the available evidence is currently insufficient to determine the role of this variant in disease. Therefore, it has been classified as a Variant of Uncertain Significance.

NM_025219.3(DNAJC5):c.488A>G (p.Glu163Gly)

Gene: DNAJC5 (DnaJ heat shock protein family (Hsp40) member C5; plus strand). Cytogenetic location: 20q13.33.
Variant type: single nucleotide variant.
Coding change: c.488A>G on transcript NM_025219.3 (MANE Select); coding-DNA position 488, A replaced by G.
Protein change: p.Glu163Gly; replaces glutamic acid 163 with glycine.
Molecular consequence: missense variant.
Genome position (GRCh38, 1-based): chr20:63,931,017, A>G. VCF-style: chr20-63931017-A-G. GRCh37 (hg19) VCF-style: chr20-62562370-A-G.
Other names: short protein forms E163G.
Identifiers: ClinVar variation 1034904 (VCV001034904.8), dbSNP rs2053665398, ClinGen allele CA409720361.